The following is an entry in ClinVar:

ClinVar aggregate classification (germline): Uncertain significance (1 of 4 stars; one submission).

Conditions:
Early Myoclonic Encephalopathy. Identifiers: MedGen C0270855.

Allele frequency attached by ClinVar (database versions not stated): TOPMed 0.00001; gnomAD exomes 0.00002; 1000 Genomes Project 0.00020; 1000 Genomes Project 30x 0.00016; ExAC 0.00005; ESP Exome Variant Server 0.00008.
gnomAD v4.1: 30 of 1,614,018 alleles (0.0019%); highest among the groups gnomAD compares: Middle Eastern, 0.13%; no homozygotes.

Submission:

Labcorp Genetics (formerly Invitae), Labcorp
Classification: Uncertain significance for Early Myoclonic Encephalopathy. Last evaluated: 2024-05-31. Review status: criteria provided, single submitter. Criteria: Invitae Variant Classification Sherloc (09022015). Collection method: clinical testing. Allele origin: germline.
Comment: This sequence change replaces alanine, which is neutral and non-polar, with valine, which is neutral and non-polar, at codon 605 of the JMJD1C protein (p.Ala605Val). This variant is present in population databases (rs369114735, gnomAD 0.003%). This variant has not been reported in the literature in individuals affected with JMJD1C-related conditions. ClinVar contains an entry for this variant (Variation ID: 2072115). Advanced modeling of protein sequence and biophysical properties (such as structural, functional, and spatial information, amino acid conservation, physicochemical variation, residue mobility, and thermodynamic stability) performed at Invitae indicates that this missense variant is not expected to disrupt JMJD1C protein function with a negative predictive value of 80%. In summary, the available evidence is currently insufficient to determine the role of this variant in disease. Therefore, it has been classified as a Variant of Uncertain Significance.

NM_032776.3(JMJD1C):c.1814C>T (p.Ala605Val)

Gene: JMJD1C (jumonji domain containing 1C; minus strand). Cytogenetic location: 10q21.3.
Variant type: single nucleotide variant.
Coding change: c.1814C>T on transcript NM_032776.3 (MANE Select); coding-DNA position 1814, C replaced by T.
Protein change: p.Ala605Val; replaces alanine 605 with valine.
Molecular consequence: missense variant. On other transcripts: non-coding transcript variant (1).
Genome position (GRCh38, 1-based): chr10:63,214,353, G>A on the plus strand (C>T on the coding strand, the complement: JMJD1C is on the minus strand). VCF-style: chr10-63214353-G-A. GRCh37 (hg19) VCF-style: chr10-64974113-G-A.
Other names: c.1268C>T, p.Ala423Val (NM_001282948.2, NM_001318154.2); c.950C>T, p.Ala317Val (NM_001318153.2); c.1700C>T, p.Ala567Val (NM_001322252.2); c.1157C>T, p.Ala386Val (NM_001322254.2, NM_001322258.2); short protein forms A317V, A386V, A605V, A423V, A567V.
Identifiers: ClinVar variation 2072115 (VCV002072115.4), dbSNP rs369114735, ClinGen allele CA5518740.